The following is an entry in ClinVar:

NM_033448.3(KRT71):c.189C>T (p.Ser63=)

Gene: KRT71 (keratin 71; minus strand). Cytogenetic location: 12q13.13.
Variant type: single nucleotide variant.
Coding change: c.189C>T on transcript NM_033448.3 (MANE Select); coding-DNA position 189, C replaced by T.
Protein change: p.Ser63=; no amino-acid change (serine 63 retained).
Molecular consequence: synonymous variant.
Genome position (GRCh38, 1-based): chr12:52,552,889, G>A on the plus strand (C>T on the coding strand, the complement: KRT71 is on the minus strand). VCF-style: chr12-52552889-G-A. GRCh37 (hg19) VCF-style: chr12-52946673-G-A.
Identifiers: ClinVar variation 3352622 (VCV003352622.1).
Genomic context (GRCh38, chr12:52,552,889, plus strand): 5'-CATGCTTCCAGCAAAGCCACTGGCCCGGCCCCGGCCAAATCCATAGCCTCCACTCTTCCC[G>A]CTGCCACTGGCCACATTGAGGCTCCGGACACCCCCCAGGCTGTAGAGGCTCCGGCTGCCA-3'
Protein context (NP_258259.1, residues 53-73): GVRSLNVASG[Ser63=]GKSGGYGFGR

ClinVar aggregate classification (germline): Likely benign (0 of 4 stars; one submission).

Conditions:
KRT71-related disorder. Also called: KRT71-related condition.

gnomAD v4.1: 15 of 1,614,016 alleles (0.00093%); highest among the groups gnomAD compares: Middle Eastern, 0.016%; no homozygotes.

Submission:

PreventionGenetics, part of Exact Sciences
Classification: Likely benign for KRT71-related condition. Last evaluated: 2019-05-31. Review status: no assertion criteria provided. Collection method: clinical testing. Allele origin: germline.
Comment: This variant is classified as likely benign based on ACMG/AMP sequence variant interpretation guidelines (Richards et al. 2015 PMID: 25741868, with internal and published modifications).